The following is an entry in ClinVar:

ClinVar aggregate classification (germline): Uncertain significance (1 of 4 stars; one submission).

Conditions:
H syndrome. Also called: Asrar Facharzt Haque syndrome; HISTIOCYTOSIS AND LYMPHADENOPATHY WITH OR WITHOUT CUTANEOUS, CARDIAC, AND/OR ENDOCRINE FEATURES, JOINT CONTRACTURES, AND/OR DEAFNESS; HYPERPIGMENTATION, CUTANEOUS, WITH HYPERTRICHOSIS, HEPATOSPLENOMEGALY, HEART ANOMALIES, AND HYPOGONADISM WITH OR WITHOUT HEARING LOSS; PIGMENTED HYPERTRICHOSIS WITH INSULIN-DEPENDENT DIABETES MELLITUS; ROSAI-DORFMAN DISEASE, FAMILIAL; SINUS HISTIOCYTOSIS AND MASSIVE LYMPHADENOPATHY. Identifiers: Orphanet 168569, MedGen C1864445, MONDO:0011273, OMIM 602782.

Submission:

Labcorp Genetics (formerly Invitae), Labcorp
Classification: Uncertain significance for H syndrome. Last evaluated: 2021-06-22. Review status: criteria provided, single submitter. Criteria: Invitae Variant Classification Sherloc (09022015). Collection method: clinical testing. Allele origin: germline.
Comment: Algorithms developed to predict the effect of missense changes on protein structure and function (SIFT, PolyPhen-2, Align-GVGD) all suggest that this variant is likely to be tolerated, but these predictions have not been confirmed by published functional studies and their clinical significance is uncertain. In summary, the available evidence is currently insufficient to determine the role of this variant in disease. Therefore, it has been classified as a Variant of Uncertain Significance. This variant has not been reported in the literature in individuals with SLC29A3-related conditions. This variant is not present in population databases (ExAC no frequency). This sequence change replaces histidine with aspartic acid at codon 11 of the SLC29A3 protein (p.His11Asp). The histidine residue is weakly conserved and there is a moderate physicochemical difference between histidine and aspartic acid.

NM_018344.6(SLC29A3):c.31C>G (p.His11Asp)

Gene: SLC29A3 (solute carrier family 29 member 3; plus strand). Cytogenetic location: 10q22.1.
Variant type: single nucleotide variant.
Coding change: c.31C>G on transcript NM_018344.6 (MANE Select); coding-DNA position 31, C replaced by G.
Protein change: p.His11Asp; replaces histidine 11 with aspartic acid.
Molecular consequence: missense variant. On other transcripts: 5 prime UTR variant (1), non-coding transcript variant (2).
Genome position (GRCh38, 1-based): chr10:71,322,785, C>G. VCF-style: chr10-71322785-C-G. GRCh37 (hg19) VCF-style: chr10-73082542-C-G.
Other names: c.31C>G, p.His11Asp (NM_001174098.2); c.-204C>G (NM_001363518.2); short protein forms H11D.
Identifiers: ClinVar variation 1492879 (VCV001492879.8), dbSNP rs2131796486, ClinGen allele CA377128934.
Genomic context (GRCh38, chr10:71,322,785, plus strand): 5'-CCTGTCTCTGTTGCCCTCCTTGCTCCAATAGTGGCCGTTGTCTCAGAGGACGACTTTCAG[C>G]ACAGTTCAAACTCCACCTACAGAACCACAAGCAGCAGTCTCCGAGCTGACCAGGAGGCAC-3'
Protein context (NP_060814.4, residues 1-21): MAVVSEDDFQ[His11Asp]SSNSTYRTTS